The following is an entry in ClinVar:

NM_000038.6(APC):c.6920C>G (p.Ser2307Trp)

Gene: APC (APC regulator of Wnt signaling pathway; plus strand). Cytogenetic location: 5q22.2.
Variant type: single nucleotide variant.
Coding change: c.6920C>G on transcript NM_000038.6 (MANE Select); coding-DNA position 6920, C replaced by G.
Protein change: p.Ser2307Trp; replaces serine 2307 with tryptophan.
Molecular consequence: missense variant. On other transcripts: non-coding transcript variant (2).
Genome position (GRCh38, 1-based): chr5:112,842,514, C>G. VCF-style: chr5-112842514-C-G. GRCh37 (hg19) VCF-style: chr5-112178211-C-G.
Other names: c.6920C>G, p.Ser2307Trp (NM_001127510.3, NM_001354895.2, NM_001407450.1); c.6866C>G, p.Ser2289Trp (NM_001127511.3); c.6974C>G, p.Ser2325Trp (NM_001354896.2, NM_001407447.1, NM_001407448.1 and 1 more transcripts); c.6950C>G, p.Ser2317Trp (NM_001354897.2); c.6845C>G, p.Ser2282Trp (NM_001354898.2); c.6836C>G, p.Ser2279Trp (NM_001354899.2); c.6797C>G, p.Ser2266Trp (NM_001354900.2); c.6743C>G, p.Ser2248Trp (NM_001354901.2, NM_001407453.1); and 12 more; short protein forms S1923W, S2024W, S2147W, S2178W, S2181W, S2206W, S2216W, S2224W.
Identifiers: ClinVar variation 3070103 (VCV003070103.4), dbSNP rs901983934, ClinGen allele CA16036428.
Genomic context (GRCh38, chr5:112,842,514, plus strand): 5'-GGCAGACATCCCAAATAGGTGGGTCAAGTAAAGCACCTTCTAGATCAGGATCTAGAGATT[C>G]GACCCCTTCAAGACCTGCCCAGCAACCATTAAGTAGACCTATACAGTCTCCTGGCCGAAA-3'
Protein context (NP_000029.2, residues 2297-2317): KAPSRSGSRD[Ser2307Trp]TPSRPAQQPL

ClinVar aggregate classification (germline): Uncertain significance. Review status: criteria provided, multiple submitters, no conflicts (2 of 4 stars). 3 submissions from 3 submitters: Uncertain significance (3). Last evaluated 2024-11-03.

Conditions:
Classic or attenuated familial adenomatous polyposis. Identifiers: MedGen CN372698, MONDO:0021057.
Hereditary cancer-predisposing syndrome. Also called: Neoplastic Syndromes, Hereditary; Hereditary neoplastic syndrome; Tumor predisposition; Hereditary Cancer Syndrome. Identifiers: Orphanet 140162, MedGen C0027672, MeSH D009386, MONDO:0015356.
Familial adenomatous polyposis 1 (FAP1). Also called: FAMILIAL ADENOMATOUS POLYPOSIS 1, ATTENUATED; POLYPOSIS, ADENOMATOUS INTESTINAL. Identifiers: MedGen C2713442, MONDO:0021056, OMIM 175100. Disease mechanism: loss of function.

Submissions (3):

Labcorp Genetics (formerly Invitae), Labcorp
Classification: Uncertain significance for Familial adenomatous polyposis 1. Last evaluated: 2024-11-03. Review status: criteria provided, single submitter. Criteria: Invitae Variant Classification Sherloc (09022015). Collection method: clinical testing. Allele origin: germline.
Comment: This sequence change replaces serine, which is neutral and polar, with tryptophan, which is neutral and slightly polar, at codon 2307 of the APC protein (p.Ser2307Trp). This variant is not present in population databases (gnomAD no frequency). This variant has not been reported in the literature in individuals affected with APC-related conditions. ClinVar contains an entry for this variant (Variation ID: 3070103). Invitae Evidence Modeling of protein sequence and biophysical properties (such as structural, functional, and spatial information, amino acid conservation, physicochemical variation, residue mobility, and thermodynamic stability) indicates that this missense variant is not expected to disrupt APC protein function with a negative predictive value of 95%. In summary, the available evidence is currently insufficient to determine the role of this variant in disease. Therefore, it has been classified as a Variant of Uncertain Significance.

Ambry Genetics
Classification: Uncertain significance for Hereditary cancer-predisposing syndrome. Last evaluated: 2024-10-25. Review status: criteria provided, single submitter. Criteria: Ambry Variant Classification Scheme 2023. Collection method: clinical testing. Allele origin: germline.
Comment: The p.S2307W variant (also known as c.6920C>G), located in coding exon 15 of the APC gene, results from a C to G substitution at nucleotide position 6920. The serine at codon 2307 is replaced by tryptophan, an amino acid with highly dissimilar properties. This amino acid position is conserved. In addition, in silico predictors for this gene do not accurately predict pathogenicity. Based on the available evidence, the clinical significance of this variant remains unclear.

All of Us Research Program, National Institutes of Health
Classification: Uncertain significance for Classic or attenuated familial adenomatous polyposis. Last evaluated: 2023-04-03. Review status: criteria provided, single submitter. Criteria: ACMG Guidelines, 2015. Collection method: clinical testing. Allele origin: germline. Inheritance: Autosomal dominant inheritance. Observed: 1 variant allele, 1 heterozygote.
Comment: This missense variant replaces serine with tryptophan at codon 2307 of the APC protein. Computational prediction is inconclusive regarding the impact of this variant on protein structure and function (internally defined REVEL score threshold 0.5 < inconclusive < 0.7, PMID: 27666373). To our knowledge, functional studies have not been reported for this variant. This variant has not been reported in individuals affected with APC-related disorders in the literature. This variant has not been identified in the general population by the Genome Aggregation Database (gnomAD). The available evidence is insufficient to determine the role of this variant in disease conclusively. Therefore, this variant is classified as a Variant of Uncertain Significance.

This study involves interpretation of variants in research participants for the purpose of population health screening. Participant phenotype was not available at the time of variant classification. Additional details can be found in publication PMID: 35346344, PMCID: PMC8962531